The following is an entry in ClinVar:

NM_138694.4(PKHD1):c.7486G>A (p.Gly2496Ser)

Gene: PKHD1 (PKHD1 ciliary IPT domain containing fibrocystin/polyductin; minus strand). Cytogenetic location: 6p12.2.
Variant type: single nucleotide variant.
Coding change: c.7486G>A on transcript NM_138694.4 (MANE Select); coding-DNA position 7486, G replaced by A.
Protein change: p.Gly2496Ser; replaces glycine 2496 with serine.
Molecular consequence: missense variant.
Genome position (GRCh38, 1-based): chr6:51,870,504, C>T on the plus strand (G>A on the coding strand, the complement: PKHD1 is on the minus strand). VCF-style: chr6-51870504-C-T. GRCh37 (hg19) VCF-style: chr6-51735302-C-T.
Other names: c.7486G>A, p.Gly2496Ser (NM_170724.3); c.7486G>A (NM_138694.3); short protein forms G2496S.
Identifiers: ClinVar variation 2677779 (VCV002677779.3), dbSNP rs747745685, ClinGen allele CA3851923.
Genomic context (GRCh38, chr6:51,870,504, plus strand): 5'-ATAATACTGACTTGAATATGGGCCTTATTTATCATCTGTTCTGTCTATTCAAATAATTAC[C>T]TTGTCCTTGGGAACAGTCTGAACAGGTTCTAATGGCCACACAGTTGATGAGATCAAAATT-3'
Protein context (NP_619639.3, residues 2486-2506): RTCSDCSQGQ[Gly2496Ser]GFTVKTSQLK

ClinVar aggregate classification (germline): Conflicting classifications of pathogenicity. Review status: criteria provided, conflicting classifications (1 of 4 stars). 4 submissions from 4 submitters: Likely pathogenic (2); Uncertain significance (2). Last evaluated 2026-01-27.

Conditions:
Polycystic kidney disease 4 (PKD4). Also called: POLYCYSTIC KIDNEY DISEASE 4 WITH OR WITHOUT POLYCYSTIC LIVER DISEASE; PKD3; POLYCYSTIC KIDNEY AND HEPATIC DISEASE 1; POLYCYSTIC KIDNEY DISEASE, INFANTILE, TYPE I; Autosomal Recessive Polycystic Kidney Disease – PKHD1. Identifiers: MedGen C4540575, MONDO:0033004, OMIM 263200.
PKHD1-related disorder. Also called: PKHD1-related condition.

Allele frequency attached by ClinVar (database versions not stated): gnomAD 0.00001; ExAC 0.00002; gnomAD exomes 0.00002.
gnomAD v4.1: 26 of 1,610,488 alleles (0.0016%); highest among the groups gnomAD compares: South Asian, 0.027%; no homozygotes.

Submissions (4):

Myriad Genetics, Inc.
Classification: Uncertain significance for Polycystic kidney disease 4. Last evaluated: 2026-01-27. Review status: criteria provided, single submitter. Criteria: Myriad Autosomal Dominant, Autosomal Recessive and X-Linked Classification Criteria (2023). Collection method: clinical testing. Allele origin: unknown.
Comment: NM_138694.3(PKHD1):c.7486G>A(G2496S) is a missense variant classified as a variant of uncertain significance in the context of autosomal recessive polycystic kidney disease, PKHD1-related. G2496S has been observed in cases with relevant disease (PMID: 30650191). Relevant functional assessments of this variant are not available in the literature. G2496S has been observed in referenced population frequency databases. In summary, there is insufficient evidence to classify NM_138694.3(PKHD1):c.7486G>A(G2496S) as pathogenic or benign. Please note: this variant was assessed in the context of healthy population screening.

PreventionGenetics, part of Exact Sciences
Classification: Likely pathogenic for PKHD1-related condition. Last evaluated: 2025-05-27. Review status: criteria provided, single submitter. Criteria: ACMG Guidelines, 2015. Collection method: clinical testing. Allele origin: germline.
Comment: The PKHD1 c.7486G>A variant is predicted to result in the amino acid substitution p.Gly2496Ser. This nucleotide change is located at the last base of exon 47 and is predicted to significantly weaken the nearby normal splice donor site signal (SpliceAI, Jaganathan et al. 2019. PubMed ID: 30661751; Alamut Visual Plus v1.6.1). This variant was reported in the homozygous state in two fetuses with prenatal detection of isolated bilateral hyperechogenic kidney (Shuster et al. 2019. PubMed ID: 30650191). This variant is reported in 0.033% of alleles in individuals of South Asian descent in gnomAD. This variant is interpreted as likely pathogenic.

Baylor Genetics
Classification: Likely pathogenic for Polycystic kidney disease 4. Last evaluated: 2023-09-25. Review status: criteria provided, single submitter. Criteria: ACMG Guidelines, 2015. Collection method: clinical testing. Allele origin: unknown.

Department of Pathology and Laboratory Medicine, Sinai Health System
Classification: Uncertain significance for Polycystic kidney disease 4. Last evaluated: 2022-08-09. Review status: criteria provided, single submitter. Criteria: ACMG Guidelines, 2015. Collection method: clinical testing. Allele origin: germline. Affected: yes.

Literature cited by the submitters: PubMed 30650191 (cited by Myriad Genetics, Inc. and Department of Pathology and Laboratory Medicine, Sinai Health System).